The following is an entry in ClinVar:

NM_001887.4(CRYBB1):c.698G>A (p.Arg233His)

Genes: CRYBA4 (crystallin beta A4; plus strand), CRYBB1 (crystallin beta B1; minus strand). Cytogenetic location: 22q12.1.
Variant type: single nucleotide variant.
Coding change: c.698G>A on transcript NM_001887.4 (MANE Select); coding-DNA position 698, G replaced by A.
Protein change: p.Arg233His; replaces arginine 233 with histidine.
Molecular consequence: missense variant.
Genome position (GRCh38, 1-based): chr22:26,599,551, C>T on the plus strand (G>A on the coding strand, the complement: CRYBB1 is on the minus strand). VCF-style: chr22-26599551-C-T. GRCh37 (hg19) VCF-style: chr22-26995515-C-T.
Other names: short protein forms R233H.
Identifiers: ClinVar variation 2737022 (VCV002737022.3), dbSNP rs575368335, ClinGen allele CA10165364.

ClinVar aggregate classification (germline): Likely pathogenic (1 of 4 stars; one submission).

Conditions:
Cataract 17 multiple types. Also called: CATARACT 17, PULVERULENT; CATARACT 17, CONGENITAL NUCLEAR, AUTOSOMAL RECESSIVE. Identifiers: Orphanet 91492, MedGen C3888124, MONDO:0012688, OMIM 611544.

Allele frequency attached by ClinVar (database versions not stated): gnomAD exomes 0.00001; TOPMed 0.00002.
gnomAD v4.1: 24 of 1,614,014 alleles (0.0015%); highest among the groups gnomAD compares: Middle Eastern, 0.017%; no homozygotes.

Submission:

Labcorp Genetics (formerly Invitae), Labcorp
Classification: Likely pathogenic for Cataract 17 multiple types. Last evaluated: 2024-09-06. Review status: criteria provided, single submitter. Criteria: Invitae Variant Classification Sherloc (09022015). Collection method: clinical testing. Allele origin: germline.
Comment: This sequence change replaces arginine, which is basic and polar, with histidine, which is basic and polar, at codon 233 of the CRYBB1 protein (p.Arg233His). This variant is present in population databases (rs575368335, gnomAD 0.01%). This missense change has been observed in individual(s) with congenital cataract (PMID: 21402992). In at least one individual the variant was observed to be de novo. An algorithm developed to predict the effect of missense changes on protein structure and function outputs the following: PolyPhen-2: "Benign". The histidine amino acid residue is found in multiple mammalian species, which suggests that this missense change does not adversely affect protein function. Experimental studies have shown that this missense change affects CRYBB1 function (PMID: 25086334). In summary, the currently available evidence indicates that the variant is pathogenic, but additional data are needed to prove that conclusively. Therefore, this variant has been classified as Likely Pathogenic.

Literature cited by the submitters: PubMed 21402992; PubMed 25086334.